The following is an entry in ClinVar:

ClinVar aggregate classification (germline): Uncertain significance (1 of 4 stars; one submission).

Conditions:
Autosomal dominant hypocalcemia 1 (HYPOC1). Also called: HYPOCALCEMIA, FAMILIAL. Identifiers: MedGen C3715128, MONDO:0011013, OMIM 601198.
Familial hypocalciuric hypercalcemia (FHH). Also called: Familial benign hypercalcemia. Identifiers: Orphanet 405, MedGen C1809471, MONDO:0018458.

Submission:

Labcorp Genetics (formerly Invitae), Labcorp
Classification: Uncertain significance for Familial hypocalciuric hypercalcemia; Autosomal dominant hypocalcemia 1. Last evaluated: 2019-10-02. Review status: criteria provided, single submitter. Criteria: Invitae Variant Classification Sherloc (09022015). Collection method: clinical testing. Allele origin: germline.
Comment: In summary, the available evidence is currently insufficient to determine the role of this variant in disease. Therefore, it has been classified as a Variant of Uncertain Significance. Algorithms developed to predict the effect of missense changes on protein structure and function (SIFT, PolyPhen-2, Align-GVGD) all suggest that this variant is likely to be disruptive, but these predictions have not been confirmed by published functional studies and their clinical significance is uncertain. This variant has not been reported in the literature in individuals with CASR-related conditions. This variant is not present in population databases (ExAC no frequency). This sequence change replaces lysine with asparagine at codon 965 of the CASR protein (p.Lys965Asn). The lysine residue is highly conserved and there is a moderate physicochemical difference between lysine and asparagine.

NM_000388.4(CASR):c.2895G>T (p.Lys965Asn)

Gene: CASR (calcium sensing receptor; plus strand). Cytogenetic location: 3q21.1.
Variant type: single nucleotide variant.
Coding change: c.2895G>T on transcript NM_000388.4 (MANE Select); coding-DNA position 2895, G replaced by T.
Protein change: p.Lys965Asn; replaces lysine 965 with asparagine.
Molecular consequence: missense variant.
Genome position (GRCh38, 1-based): chr3:122,284,849, G>T. VCF-style: chr3-122284849-G-T. GRCh37 (hg19) VCF-style: chr3-122003696-G-T.
Other names: c.2925G>T, p.Lys975Asn (NM_001178065.2); short protein forms K975N, K965N.
Identifiers: ClinVar variation 954419 (VCV000954419.10), dbSNP rs1251254766, ClinGen allele CA354161007.